The following is an entry in ClinVar:

ClinVar aggregate classification (germline): Pathogenic/Likely pathogenic. Review status: criteria provided, multiple submitters, no conflicts (2 of 4 stars). 6 submissions from 6 submitters: Pathogenic (5); Likely pathogenic (1). Last evaluated 2024-08-15.

Conditions:
Breast-ovarian cancer, familial, susceptibility to, 5 (BROVCA5). Identifiers: MedGen C5830615, MONDO:0957530, OMIM 620442.
Familial cancer of breast. Also called: Hereditary breast cancer; BREAST CANCER, FAMILIAL; hereditary breast carcinoma. Identifiers: Orphanet 227535, MedGen C0346153, MONDO:0016419, OMIM 114480. Disease mechanism: loss of function.

Submissions (6):

Department of Human Genetics, Hannover Medical School
Classification: Pathogenic for Breast-ovarian cancer, familial, susceptibility to, 5. Last evaluated: 2024-08-15. Review status: criteria provided, single submitter. Criteria: ACMG Guidelines, 2015. Collection method: clinical testing. Allele origin: germline. Inheritance: Autosomal dominant inheritance. Affected: yes.

Myriad Genetics, Inc.
Classification: Pathogenic for Familial cancer of breast. Last evaluated: 2023-09-14. Review status: criteria provided, single submitter. Criteria: Myriad Autosomal Dominant, Autosomal Recessive and X-Linked Classification Criteria (2023). Collection method: clinical testing. Allele origin: unknown.
Comment: This variant is considered pathogenic. This variant creates a termination codon and is predicted to result in premature protein truncation.

Labcorp Genetics (formerly Invitae), Labcorp
Classification: Pathogenic for Familial cancer of breast. Last evaluated: 2022-06-22. Review status: criteria provided, single submitter. Criteria: Invitae Variant Classification Sherloc (09022015). Collection method: clinical testing. Allele origin: germline.
Comment: This sequence change creates a premature translational stop signal (p.Gln1091*) in the PALB2 gene. It is expected to result in an absent or disrupted protein product. Loss-of-function variants in PALB2 are known to be pathogenic (PMID: 17200668, 17200671, 17200672, 24136930, 25099575). This variant is not present in population databases (gnomAD no frequency). This variant has not been reported in the literature in individuals affected with PALB2-related conditions. ClinVar contains an entry for this variant (Variation ID: 219518). Algorithms developed to predict the effect of sequence changes on RNA splicing suggest that this variant may disrupt the consensus splice site. For these reasons, this variant has been classified as Pathogenic.

GeneKor MSA
Classification: Pathogenic. Last evaluated: 2021-01-09. Review status: criteria provided, single submitter. Criteria: ACMG Guidelines, 2015. Collection method: clinical testing. Allele origin: germline.
Comment: This variant is a single amino acid change from Glutamine to a premature translational stop signal at codon 1091 of the PALB2 protein. This is expected to result in a truncated, non-functional protein product. Truncating variants in the PALB2 are known to be pathogenic (PMID: 17200668, 24136930, 25099575). This variant has been described in the international literature in an individual undergoing panel testing for hereditary syndrome (PMID: 31159747).The mutation database ClinVar contains entries for this variant (Variation ID:219518).

Mendelics
Classification: Likely pathogenic for Familial cancer of breast. Last evaluated: 2019-05-28. Review status: criteria provided, single submitter. Criteria: Mendelics Assertion Criteria 2017. Collection method: clinical testing. Allele origin: unknown.

Genesis Genomics
Classification: Pathogenic for Breast-ovarian cancer, familial, susceptibility to, 5. Review status: criteria provided, single submitter. Criteria: ACMG Guidelines, 2015. Collection method: clinical testing. Allele origin: germline. Affected: yes. Observed: 1 variant allele.

Literature cited by the submitters: PubMed 17200668 (cited by Labcorp Genetics (formerly Invitae), Labcorp); PubMed 17200671 (cited by Labcorp Genetics (formerly Invitae), Labcorp); PubMed 17200672 (cited by Labcorp Genetics (formerly Invitae), Labcorp); PubMed 24136930 (cited by Labcorp Genetics (formerly Invitae), Labcorp); PubMed 25099575 (cited by Labcorp Genetics (formerly Invitae), Labcorp).

NM_024675.4(PALB2):c.3271C>T (p.Gln1091Ter)

Gene: PALB2 (partner and localizer of BRCA2; minus strand). Cytogenetic location: 16p12.2.
Variant type: single nucleotide variant.
Coding change: c.3271C>T on transcript NM_024675.4 (MANE Select); coding-DNA position 3271, C replaced by T.
Protein change: p.Gln1091Ter; replaces glutamine 1091 with a stop codon.
Molecular consequence: nonsense.
Genome position (GRCh38, 1-based): chr16:23,607,943, G>A on the plus strand (C>T on the coding strand, the complement: PALB2 is on the minus strand). VCF-style: chr16-23607943-G-A. GRCh37 (hg19) VCF-style: chr16-23619264-G-A.
Other names: short protein forms Q1091*.
Identifiers: ClinVar variation 219518 (VCV000219518.18), dbSNP rs864622138, ClinGen allele CA350661.